The following is an entry in ClinVar:

NM_005912.3(MC4R):c.103T>C (p.Tyr35His)

Gene: MC4R (melanocortin 4 receptor; minus strand). Cytogenetic location: 18q21.32.
Variant type: single nucleotide variant.
Coding change: c.103T>C on transcript NM_005912.3 (MANE Select); coding-DNA position 103, T replaced by C.
Protein change: p.Tyr35His; replaces tyrosine 35 with histidine.
Molecular consequence: missense variant.
Genome position (GRCh38, 1-based): chr18:60,372,247, A>G on the plus strand (T>C on the coding strand, the complement: MC4R is on the minus strand). VCF-style: chr18-60372247-A-G. GRCh37 (hg19) VCF-style: chr18-58039480-A-G.
Other names: short protein forms Y35H.
Identifiers: ClinVar variation 3346619 (VCV003346619.1).

ClinVar aggregate classification (germline): Uncertain significance (0 of 4 stars; one submission).

Conditions:
MC4R-related disorder. Also called: MC4R-related condition.

gnomAD v4.1: 2 of 1,614,102 alleles (0.00012%); highest among the groups gnomAD compares: African/African-American, 0.0027%; no homozygotes.

Submission:

PreventionGenetics, part of Exact Sciences
Classification: Uncertain significance for MC4R-related condition. Last evaluated: 2024-08-08. Review status: no assertion criteria provided. Collection method: clinical testing. Allele origin: germline.
Comment: The MC4R c.103T>C variant is predicted to result in the amino acid substitution p.Tyr35His. To our knowledge, this variant has not been reported in the literature or in a large population database, indicating this variant is rare. At this time, the clinical significance of this variant is uncertain due to the absence of conclusive functional and genetic evidence.